The following is an entry in ClinVar:

ClinVar aggregate classification (germline): Uncertain significance (1 of 4 stars; one submission).

Conditions:
Aicardi-Goutieres syndrome 7 (AGS7). Identifiers: Orphanet 51, MedGen C3888244, MONDO:0014367, OMIM 615846.
Singleton-Merten syndrome 1 (SGMRT1). Also called: Widened medullary cavities of bone, aortic calcification, abnormal dentition, and muscular weakness; Syndrome of widened medullary cavities of the metacarpals and phalanges, aortic calcification and abnormal dentition. Identifiers: Orphanet 85191, MedGen C4225427, MONDO:0024535, OMIM 182250.

Submission:

Labcorp Genetics (formerly Invitae), Labcorp
Classification: Uncertain significance for Aicardi-Goutieres syndrome 7; Singleton-Merten syndrome 1. Last evaluated: 2025-12-15. Review status: criteria provided, single submitter. Criteria: Invitae Variant Classification Sherloc (09022015). Collection method: clinical testing. Allele origin: germline.
Comment: This sequence change replaces isoleucine, which is neutral and non-polar, with lysine, which is basic and polar, at codon 956 of the IFIH1 protein (p.Ile956Lys). This variant is not present in population databases (gnomAD no frequency). This variant has not been reported in the literature in individuals affected with IFIH1-related conditions. ClinVar contains an entry for this variant (Variation ID: 2950175). Invitae Evidence Modeling of protein sequence and biophysical properties (such as structural, functional, and spatial information, amino acid conservation, physicochemical variation, residue mobility, and thermodynamic stability) has been performed for this missense variant. However, the output from this modeling did not meet the statistical confidence thresholds required to predict the impact of this variant on IFIH1 protein function. In summary, the available evidence is currently insufficient to determine the role of this variant in disease. Therefore, it has been classified as a Variant of Uncertain Significance.

NM_022168.4(IFIH1):c.2867T>A (p.Ile956Lys)

Gene: IFIH1 (interferon induced with helicase C domain 1; minus strand). Cytogenetic location: 2q24.2.
Variant type: single nucleotide variant.
Coding change: c.2867T>A on transcript NM_022168.4 (MANE Select); coding-DNA position 2867, T replaced by A.
Protein change: p.Ile956Lys; replaces isoleucine 956 with lysine.
Molecular consequence: missense variant.
Genome position (GRCh38, 1-based): chr2:162,267,510, A>T on the plus strand (T>A on the coding strand, the complement: IFIH1 is on the minus strand). VCF-style: chr2-162267510-A-T. GRCh37 (hg19) VCF-style: chr2-163124020-A-T.
Other names: short protein forms I956K.
Identifiers: ClinVar variation 2950175 (VCV002950175.3), dbSNP rs761313801, ClinGen allele CA348989696.